The following is an entry in ClinVar:

NM_003079.5(SMARCE1):c.591G>T (p.Gln197His)

Gene: SMARCE1 (SWI/SNF related BAF chromatin remodeling complex subunit E1; minus strand). Cytogenetic location: 17q21.2.
Variant type: single nucleotide variant.
Coding change: c.591G>T on transcript NM_003079.5 (MANE Select); coding-DNA position 591, G replaced by T.
Protein change: p.Gln197His; replaces glutamine 197 with histidine.
Molecular consequence: missense variant.
Genome position (GRCh38, 1-based): chr17:40,632,318, C>A on the plus strand (G>T on the coding strand, the complement: SMARCE1 is on the minus strand). VCF-style: chr17-40632318-C-A. GRCh37 (hg19) VCF-style: chr17-38788570-C-A.
Other names: NC_000017.10:g.38788570C>A; short protein forms Q197H.
Identifiers: ClinVar variation 3446147 (VCV003446147.2).
Genomic context (GRCh38, chr17:40,632,318, plus strand): 5'-TGACCGAACGTCTGGCACCACACTCTCACTAAGAATTTCACTGATGAGGCGGTGGTTTCT[C>A]TGGAAACGGGCGGTGGCTGTATGCTTCATTGAAAAGCCATCATCATAATCTGGAGTGAAC-3'
Protein context (NP_003070.3, residues 187-207): SMKHTATARF[Gln197His]RNHRLISEIL

ClinVar aggregate classification (germline): Uncertain significance (1 of 4 stars; one submission).

Conditions:
Hereditary cancer-predisposing syndrome. Also called: Tumor predisposition; Neoplastic Syndromes, Hereditary; Hereditary neoplastic syndrome; Hereditary Cancer Syndrome. Identifiers: Orphanet 140162, MedGen C0027672, MeSH D009386, MONDO:0015356.

gnomAD v4.1: 1 of 1,614,076 alleles (0.000062%); highest among the groups gnomAD compares: Non-Finnish European, 0.000085%; no homozygotes.

Submissions (2):

Ambry Genetics
Classification: Uncertain significance for Hereditary cancer-predisposing syndrome. Last evaluated: 2024-09-18. Review status: criteria provided, single submitter. Criteria: Ambry Variant Classification Scheme 2023. Collection method: clinical testing. Allele origin: germline.
Comment: The p.Q197H variant (also known as c.591G>T), located in coding exon 7 of the SMARCE1 gene, results from a G to T substitution at nucleotide position 591. The glutamine at codon 197 is replaced by histidine, an amino acid with highly similar properties. This amino acid position is conserved. In addition, the in silico prediction for this alteration is inconclusive. Based on the available evidence, the clinical significance of this variant remains unclear.

Dr. Peter K. Rogan Lab, Western University
No classification provided (evidence only). Condition: Lung cancer. Review status: no classification provided. Collection method: in vitro. Allele origin: not applicable. Functional consequence: skipped exon. Not counted in ClinVar's aggregate classification.